The following is an entry in ClinVar:

NM_006031.6(PCNT):c.1686C>T (p.Ser562=)

Gene: PCNT (pericentrin; plus strand). Cytogenetic location: 21q22.3.
Variant type: single nucleotide variant.
Coding change: c.1686C>T on transcript NM_006031.6 (MANE Select); coding-DNA position 1686, C replaced by T.
Protein change: p.Ser562=; no amino-acid change (serine 562 retained).
Molecular consequence: synonymous variant.
Genome position (GRCh38, 1-based): chr21:46,353,993, C>T. VCF-style: chr21-46353993-C-T. GRCh37 (hg19) VCF-style: chr21-47773907-C-T.
Other names: c.1686C>T (NM_006031.5); c.1332C>T, p.Ser444= (NM_001315529.2).
Identifiers: ClinVar variation 2955172 (VCV002955172.4), dbSNP rs1257821144, ClinGen allele CA512731876.
Genomic context (GRCh38, chr21:46,353,993, plus strand): 5'-ACACATGGAAAAGGGGTACGTGTGTAAAGCTTTTATAAAATGTTTTCCCTTCAGGTTGTC[C>T]TGTGTGGGTTTAGAAGAGAAACCTGAGAAAGGAAGAAAAGATCACGTTGATGAACTCGAG-3'
Protein context (NP_006022.3, residues 552-572): ALLDSVEVGL[Ser562=]CVGLEEKPEK

ClinVar aggregate classification (germline): Likely benign. Review status: criteria provided, multiple submitters, no conflicts (2 of 4 stars). 2 submissions from 2 submitters: Likely benign (2). Last evaluated 2025-07-17.

Conditions:
PCNT-related disorder. Also called: PCNT-related condition.

Allele frequency attached by ClinVar (database versions not stated): gnomAD exomes below 0.00001; gnomAD 0.00001; TOPMed 0.00001.
gnomAD v4.1: 2 of 1,613,426 alleles (0.00012%); highest among the groups gnomAD compares: Non-Finnish European, 0.00017%; no homozygotes.

Submissions (2):

PreventionGenetics, part of Exact Sciences
Classification: Likely benign for PCNT-related condition. Last evaluated: 2025-07-17. Review status: criteria provided, single submitter. Criteria: ACMG Guidelines, 2015. Collection method: clinical testing. Allele origin: germline.
Comment: This variant is classified as likely benign based on ACMG/AMP sequence variant interpretation guidelines (Richards et al. 2015 PMID: 25741868, with internal and published modifications).

Labcorp Genetics (formerly Invitae), Labcorp
Classification: Likely benign. Last evaluated: 2024-06-17. Review status: criteria provided, single submitter. Criteria: Invitae Variant Classification Sherloc (09022015). Collection method: clinical testing. Allele origin: germline.